The following is an entry in ClinVar:

NM_198407.2(GHSR):c.820C>T (p.Leu274Phe)

Gene: GHSR (growth hormone secretagogue receptor; minus strand). Cytogenetic location: 3q26.31.
Variant type: single nucleotide variant.
Coding change: c.820C>T on transcript NM_198407.2 (MANE Select); coding-DNA position 820, C replaced by T.
Protein change: p.Leu274Phe; replaces leucine 274 with phenylalanine.
Molecular consequence: missense variant.
Genome position (GRCh38, 1-based): chr3:172,445,442, G>A on the plus strand (C>T on the coding strand, the complement: GHSR is on the minus strand). VCF-style: chr3-172445442-G-A. GRCh37 (hg19) VCF-style: chr3-172163232-G-A.
Other names: short protein forms L274F.
Identifiers: ClinVar variation 985301 (VCV000985301.8), dbSNP rs771146868, ClinGen allele CA2706356.
Genomic context (GRCh38, chr3:172,445,442, plus strand): 5'-AGCCAGGCTCAAAGGATTTGGAAAATAAATATCGCCCTACGTGGAAGGGGAGCCAGCAGA[G>A]GATGAAGGCAAACACCACTACAGCTAAAAGGACAATGGGAGAGAGATAGTCAGCTCAAGA-3'
Protein context (NP_940799.1, residues 264-284): MLAVVVFAFI[Leu274Phe]CWLPFHVGRY

ClinVar aggregate classification (germline): Uncertain significance. Review status: criteria provided, multiple submitters, no conflicts (2 of 4 stars). 2 submissions from 2 submitters: Uncertain significance (2). Last evaluated 2025-09-20.

Conditions:
Inborn genetic diseases. Identifiers: MedGen C0950123, MeSH D030342.

Allele frequency attached by ClinVar (database versions not stated): TOPMed below 0.00001; gnomAD 0.00001; gnomAD exomes 0.00001 and 0.00002; ExAC 0.00003.

Submissions (2):

Labcorp Genetics (formerly Invitae), Labcorp
Classification: Uncertain significance. Last evaluated: 2025-09-20. Review status: criteria provided, single submitter. Criteria: Invitae Variant Classification Sherloc (09022015). Collection method: clinical testing. Allele origin: germline.
Comment: This sequence change replaces leucine, which is neutral and non-polar, with phenylalanine, which is neutral and non-polar, at codon 274 of the GHSR protein (p.Leu274Phe). This variant is present in population databases (rs771146868, gnomAD 0.01%). This variant has not been reported in the literature in individuals affected with GHSR-related conditions. ClinVar contains an entry for this variant (Variation ID: 985301). Invitae Evidence Modeling of protein sequence and biophysical properties (such as structural, functional, and spatial information, amino acid conservation, physicochemical variation, residue mobility, and thermodynamic stability) indicates that this missense variant is not expected to disrupt GHSR protein function with a negative predictive value of 80%. In summary, the available evidence is currently insufficient to determine the role of this variant in disease. Therefore, it has been classified as a Variant of Uncertain Significance.

Ambry Genetics
Classification: Uncertain significance for Inborn genetic diseases. Last evaluated: 2020-01-03. Review status: criteria provided, single submitter. Criteria: Ambry Variant Classification Scheme 2023. Collection method: clinical testing. Allele origin: germline.
Comment: The alteration results in an amino acid change:_x000D_ _x000D_ The c.820C>T (p.L274F) alteration is located in coding exon 2 of the GHSR gene. This alteration results from a C to T substitution at nucleotide position 820, causing the leucine (L) at amino acid position 274 to be replaced by a phenylalanine (F). The alteration is rare in population databases: _x000D_ _x000D_ Based on data from the Genome Aggregation Database (gnomAD), the c.820C>T alteration was observed in 0.0021% (6/281586) of total alleles studied. The altered amino acid is conserved throughout evolution:_x000D_ _x000D_ The p.L274 amino acid is conserved in available vertebrate species. The alteration is predicted tolerated by in silico modeling:_x000D_ _x000D_ The p.L274F alteration is predicted to be tolerated by in silico analysis. Based on insufficient or conflicting evidence, the clinical significance of this alteration remains unclear.